The following is an entry in ClinVar:

Single allele

Variant type: Deletion.
Identifiers: ClinVar variation 157178 (VCV000157178.2).

ClinVar aggregate classification (germline): not provided (0 of 4 stars; one submission).

Conditions:
Normal pregnancy. Identifiers: MedGen C0232989.

Submission:

Institute of Molecular and Cell Biology, University of Tartu
No classification provided. Condition: Normal pregnancy. Review status: no classification provided. Collection method: case-control. Allele origin: unknown. Affected: yes. Study: Kasak2014.
Comment: The study aimed to determine the contribution of copy number variants in the genetic etiology of normal and complicated pregnancies. The samples represented (i) maternal blood DNA drawn from healthy pregnant women during 1st or 2nd trimester and (ii) maternal and paternal blood DNA drawn at term pregnancy cases representing normal and complicated gestations (severe preeclampsia, PE; gestational diabetes, GD; small-for-gestational age newborn, SGA; large-for-gestational age newborn, LGA). We performed CNV calling based on genome-wide genotyping dataset (Illumina HumanOmniExpress-24-v1 BeadChip) by applying three algorithms, QuantiSNP, GADA (Genome Alteration Detection Algorithm) and CNstream in parallel. The acquired CNV calls were merged with HD-CNV (Hotspot Detector for Copy Number Variants) program and only the CNVs predicted by at least two programs, were considered in subsequent analysis.

Literature cited by the submitters: PubMed 25666259.